The following is an entry in ClinVar:

ClinVar aggregate classification (germline): Uncertain significance. Review status: criteria provided, multiple submitters, no conflicts (2 of 4 stars). 2 submissions from 2 submitters: Uncertain significance (2). Last evaluated 2024-09-20.

Allele frequency attached by ClinVar (database versions not stated): gnomAD exomes below 0.00001; ExAC 0.00001; TOPMed 0.00001; gnomAD 0.00002.
gnomAD v4.1: 6 of 1,614,036 alleles (0.00037%); highest among the groups gnomAD compares: African/African-American, 0.008%; no homozygotes.

Submissions (2):

Ambry Genetics
Classification: Uncertain significance. Last evaluated: 2024-09-20. Review status: criteria provided, single submitter. Criteria: Ambry Variant Classification Scheme 2023. Collection method: clinical testing. Allele origin: germline.
Comment: The p.T208I variant (also known as c.623C>T), located in coding exon 6 of the A2ML1 gene, results from a C to T substitution at nucleotide position 623. The threonine at codon 208 is replaced by isoleucine, an amino acid with similar properties. This amino acid position is conserved. In addition, this alteration is predicted to be tolerated by in silico analysis. Since supporting evidence is limited at this time, the clinical significance of this alteration remains unclear.

Labcorp Genetics (formerly Invitae), Labcorp
Classification: Uncertain significance. Last evaluated: 2024-03-02. Review status: criteria provided, single submitter. Criteria: Invitae Variant Classification Sherloc (09022015). Collection method: clinical testing. Allele origin: germline.
Comment: This sequence change replaces threonine, which is neutral and polar, with isoleucine, which is neutral and non-polar, at codon 208 of the A2ML1 protein (p.Thr208Ile). This variant is present in population databases (rs764460041, gnomAD 0.007%). This variant has not been reported in the literature in individuals affected with A2ML1-related conditions. ClinVar contains an entry for this variant (Variation ID: 1752374). An algorithm developed to predict the effect of missense changes on protein structure and function (PolyPhen-2) suggests that this variant is likely to be tolerated. In summary, the available evidence is currently insufficient to determine the role of this variant in disease. Therefore, it has been classified as a Variant of Uncertain Significance.

NM_144670.6(A2ML1):c.623C>T (p.Thr208Ile)

Gene: A2ML1 (alpha-2-macroglobulin like 1; plus strand). Cytogenetic location: 12p13.31.
Variant type: single nucleotide variant.
Coding change: c.623C>T on transcript NM_144670.6 (MANE Select); coding-DNA position 623, C replaced by T.
Protein change: p.Thr208Ile; replaces threonine 208 with isoleucine.
Molecular consequence: missense variant.
Genome position (GRCh38, 1-based): chr12:8,835,646, C>T. VCF-style: chr12-8835646-C-T. GRCh37 (hg19) VCF-style: chr12-8988242-C-T.
Other names: short protein forms T208I.
Identifiers: ClinVar variation 1752374 (VCV001752374.8), dbSNP rs764460041, ClinGen allele CA6435370.
Genomic context (GRCh38, chr12:8,835,646, plus strand): 5'-CACCAGAGGCAATGCTGGGCACCTACACTGTGGCAGTGGCTGAGGGCAAGACCTTTGGTA[C>T]TTTCAGTGTGGAGGAATATGGTAGGTGGGGAAATGGACAGGCCAAAGTATTGGGCATAAT-3'
Protein context (NP_653271.3, residues 198-218): VAVAEGKTFG[Thr208Ile]FSVEEYVLPK